The following is an entry in ClinVar:

ClinVar aggregate classification (germline): Uncertain significance (1 of 4 stars; one submission).

Allele frequency attached by ClinVar (database versions not stated): ExAC 0.00001; ESP Exome Variant Server 0.00008.
gnomAD v4.1: 2 of 1,613,886 alleles (0.00012%); highest among the groups gnomAD compares: African/African-American, 0.0027%; no homozygotes.

Submission:

Labcorp Genetics (formerly Invitae), Labcorp
Classification: Uncertain significance. Last evaluated: 2022-05-12. Review status: criteria provided, single submitter. Criteria: Invitae Variant Classification Sherloc (09022015). Collection method: clinical testing. Allele origin: germline.
Comment: This sequence change replaces aspartic acid, which is acidic and polar, with glutamic acid, which is acidic and polar, at codon 404 of the PNLIP protein (p.Asp404Glu). This variant is present in population databases (rs149567242, gnomAD 0.01%). In summary, the available evidence is currently insufficient to determine the role of this variant in disease. Therefore, it has been classified as a Variant of Uncertain Significance. Algorithms developed to predict the effect of missense changes on protein structure and function are either unavailable or do not agree on the potential impact of this missense change (SIFT: "Not Available"; PolyPhen-2: "Possibly Damaging"; Align-GVGD: "Not Available"). This variant has not been reported in the literature in individuals affected with PNLIP-related conditions.

NM_000936.4(PNLIP):c.1212C>G (p.Asp404Glu)

Gene: PNLIP (pancreatic lipase; plus strand). Cytogenetic location: 10q25.3.
Variant type: single nucleotide variant.
Coding change: c.1212C>G on transcript NM_000936.4 (MANE Select); coding-DNA position 1212, C replaced by G.
Protein change: p.Asp404Glu; replaces aspartic acid 404 with glutamic acid.
Molecular consequence: missense variant.
Genome position (GRCh38, 1-based): chr10:116,561,514, C>G. VCF-style: chr10-116561514-C-G. GRCh37 (hg19) VCF-style: chr10-118321026-C-G.
Other names: short protein forms D404E.
Identifiers: ClinVar variation 1993298 (VCV001993298.4), dbSNP rs149567242, ClinGen allele CA5706736.
Genomic context (GRCh38, chr10:116,561,514, plus strand): 5'-AACTTCTTAAATCCTTAGGGGCACTCTCAAACCAGATAGTACTCATTCCAATGAATTTGA[C>G]TCAGATGTGGATGTTGGGGACTTGCAGATGGTTAAATTTATTTGGTATAACAATGTGATC-3'
Protein context (NP_000927.1, residues 394-414): KPDSTHSNEF[Asp404Glu]SDVDVGDLQM